The following is an entry in ClinVar:

NM_000081.4(LYST):c.6078C>G (p.Tyr2026Ter)

Gene: LYST (lysosomal trafficking regulator; minus strand). Cytogenetic location: 1q42.3.
Variant type: single nucleotide variant.
Coding change: c.6078C>G on transcript NM_000081.4 (MANE Select); coding-DNA position 6078, C replaced by G.
Protein change: p.Tyr2026Ter; replaces tyrosine 2026 with a stop codon.
Molecular consequence: nonsense.
Genome position (GRCh38, 1-based): chr1:235,766,122, G>C on the plus strand (C>G on the coding strand, the complement: LYST is on the minus strand). VCF-style: chr1-235766122-G-C. GRCh37 (hg19) VCF-style: chr1-235929422-G-C.
Other names: c.6078C>G, p.Tyr2026Ter (NM_001301365.1); short protein forms Y2026*.
Identifiers: ClinVar variation 2972092 (VCV002972092.3), dbSNP rs80338660, ClinGen allele CA39619459.

ClinVar aggregate classification (germline): Pathogenic (1 of 4 stars; one submission).

Conditions:
Chédiak-Higashi syndrome (CHS). Also called: Chediak-Higashi Syndrome. Identifiers: Orphanet 167, MedGen C0007965, MONDO:0008963, OMIM 214500.

gnomAD v4.1: 5 of 1,613,444 alleles (0.00031%); highest among the groups gnomAD compares: Admixed American, 0.0017%; no homozygotes.

Submission:

Labcorp Genetics (formerly Invitae), Labcorp
Classification: Pathogenic for Chédiak-Higashi syndrome. Last evaluated: 2025-01-11. Review status: criteria provided, single submitter. Criteria: Invitae Variant Classification Sherloc (09022015). Collection method: clinical testing. Allele origin: germline.
Comment: This sequence change creates a premature translational stop signal (p.Tyr2026*) in the LYST gene. It is expected to result in an absent or disrupted protein product. Loss-of-function variants in LYST are known to be pathogenic (PMID: 9215679, 11857544). This variant is present in population databases (no rsID available, gnomAD 0.003%). This premature translational stop signal has been observed in individual(s) with Chediak-Higashi syndrome (PMID: 11857544, 29652989). ClinVar contains an entry for this variant (Variation ID: 2972092). Algorithms developed to predict the effect of sequence changes on RNA splicing suggest that this variant may disrupt the consensus splice site. For these reasons, this variant has been classified as Pathogenic.

Literature cited by the submitters: PubMed 9215679; PubMed 11857544; PubMed 29652989.